The following is an entry in ClinVar:

ClinVar aggregate classification (germline): Uncertain significance (1 of 4 stars; one submission).

Conditions:
Alstrom syndrome (ALMS). Identifiers: Orphanet 64, MedGen C0268425, MONDO:0008763, OMIM 203800.

Submission:

Labcorp Genetics (formerly Invitae), Labcorp
Classification: Uncertain significance for Alstrom syndrome. Last evaluated: 2022-05-09. Review status: criteria provided, single submitter. Criteria: Invitae Variant Classification Sherloc (09022015). Collection method: clinical testing. Allele origin: germline.
Comment: This sequence change replaces isoleucine, which is neutral and non-polar, with valine, which is neutral and non-polar, at codon 2579 of the ALMS1 protein (p.Ile2579Val). This variant is not present in population databases (gnomAD no frequency). This variant has not been reported in the literature in individuals affected with ALMS1-related conditions. Experimental studies and prediction algorithms are not available or were not evaluated, and the functional significance of this variant is currently unknown. In summary, the available evidence is currently insufficient to determine the role of this variant in disease. Therefore, it has been classified as a Variant of Uncertain Significance.

NM_001378454.1(ALMS1):c.7732A>G (p.Ile2578Val)

Gene: ALMS1 (ALMS1 centrosome and basal body associated protein; plus strand). Cytogenetic location: 2p13.1.
Variant type: single nucleotide variant.
Coding change: c.7732A>G on transcript NM_001378454.1 (MANE Select); coding-DNA position 7732, A replaced by G.
Protein change: p.Ile2578Val; replaces isoleucine 2578 with valine.
Molecular consequence: missense variant.
Genome position (GRCh38, 1-based): chr2:73,489,691, A>G. VCF-style: chr2-73489691-A-G. GRCh37 (hg19) VCF-style: chr2-73716818-A-G.
Other names: c.7735A>G, p.Ile2579Val (NM_015120.4); short protein forms I2578V, I2579V.
Identifiers: ClinVar variation 2176048 (VCV002176048.1), dbSNP rs1572968767, ClinGen allele CA347263949.